The following is an entry in ClinVar:

ClinVar aggregate classification (germline): Uncertain significance (1 of 4 stars; one submission).

Conditions:
STX3-related disorder. Also called: STX3-related condition.

Submission:

PreventionGenetics, part of Exact Sciences
Classification: Uncertain significance for STX3-related condition. Last evaluated: 2026-08-04. Review status: criteria provided, single submitter. Criteria: ACMG Guidelines, 2015. Collection method: clinical testing. Allele origin: germline.
Comment: The STX3 c.802C>T variant is predicted to result in premature protein termination (p.Gln268*). This variant is referred to as c.*46C>T in the more commonly reported alternate transcript NM_004177.4. To our knowledge, this variant has not been reported in the literature or in a large population database (gnomAD), indicating this variant is rare. At this time, the clinical significance of this variant is uncertain due to the absence of conclusive functional and genetic evidence.

NM_004177.5(STX3):c.*46C>T

Gene: STX3 (syntaxin 3; plus strand). Cytogenetic location: 11q12.1.
Variant type: single nucleotide variant.
Coding change: c.*46C>T on transcript NM_004177.5 (MANE Select); 46 bases downstream of the stop codon, C replaced by T.
Molecular consequence: 3 prime UTR variant. On other transcripts: nonsense (1), intron variant (4).
Genome position (GRCh38, 1-based): chr11:59,800,870, C>T. VCF-style: chr11-59800870-C-T. GRCh37 (hg19) VCF-style: chr11-59568343-C-T.
Other names: c.802C>T, p.Gln268Ter (NM_001178040.3); c.*123C>T (NM_001440522.1, NM_001440531.1); c.*1226C>T (NM_001440523.1); c.*46C>T (NM_001440525.1, NM_001440528.1, NM_001440530.1); c.*31-2970C>T (NM_001440524.1); c.787-2348C>T (NM_001440526.1, NM_001440529.1, NM_001440527.1); short protein forms Q268*.
Identifiers: ClinVar variation 4994067 (VCV004994067.1).
Genomic context (GRCh38, chr11:59,800,870, plus strand): 5'-CTTCTTCCTGTGTACTGATCAGCTCCTCCTTTCCCTGCCTCCTAGAAACTGATTTCACTC[C>T]AGACTGGTGTGGCCACCCTTGTCTTCAGATGAGAATGGAGTCTGAATGGCCTTCCTGAGA-3'